The following is an entry in ClinVar:

NM_058179.4(PSAT1):c.107del (p.Gly36fs)

Gene: PSAT1 (phosphoserine aminotransferase 1; plus strand). Cytogenetic location: 9q21.2.
Variant type: Deletion.
Coding change: c.107del on transcript NM_058179.4 (MANE Select); coding-DNA position 107, one base deleted (G; older notation c.107delG).
Protein change: p.Gly36fs; shifts the reading frame from glycine 36.
Molecular consequence: frameshift variant.
Genome position (GRCh38, 1-based): chr9:78,300,648, G deleted; the last of 2 consecutive G bases (chr9:78,300,647-78,300,648); deleting either gives the same sequence. VCF-style (leftmost placement, unchanged base first): chr9-78300646-TG-T. GRCh37 (hg19) VCF-style: chr9-80915562-TG-T.
Other names: c.107del, p.Gly36fs (NM_021154.5); short protein forms G36fs.
Identifiers: ClinVar variation 1081 (VCV000001081.8), dbSNP rs587777747, ClinGen allele CA114738.

ClinVar aggregate classification (germline): Pathogenic. Review status: criteria provided, single submitter (1 of 4 stars). 3 submissions from 3 submitters: Pathogenic (1). 2 of the submissions do not count toward it. Last evaluated 2026-01-21.

Conditions:
Neu-Laxova syndrome 2. Identifiers: Orphanet 2671, Orphanet 583602, MedGen C4015019, MONDO:0014466, OMIM 616038.
PSAT deficiency. Identifiers: Orphanet 284417, MedGen C1970253, MONDO:0012596, OMIM 610992.

Submissions (3):

Labcorp Genetics (formerly Invitae), Labcorp
Classification: Pathogenic for Neu-Laxova syndrome 2. Last evaluated: 2026-01-21. Review status: criteria provided, single submitter. Criteria: Invitae Variant Classification Sherloc (09022015). Collection method: clinical testing. Allele origin: germline.
Comment: This sequence change creates a premature translational stop signal (p.Gly36Alafs*7) in the PSAT1 gene. It is expected to result in an absent or disrupted protein product. Loss-of-function variants in PSAT1 are known to be pathogenic (PMID: 17436247, 25152457). This variant is present in population databases (rs774147367, gnomAD 0.004%). This premature translational stop signal has been observed in individual(s) with phosphoserine aminotransferase deficiency (PMID: 17436247). This variant is also known as c.delG107. ClinVar contains an entry for this variant (Variation ID: 1081). For these reasons, this variant has been classified as Pathogenic.

OMIM
Classification: Pathogenic for PHOSPHOSERINE AMINOTRANSFERASE DEFICIENCY. Last evaluated: 2007-05-01. Review status: no assertion criteria provided. Collection method: literature only. Allele origin: germline. Not counted in ClinVar's aggregate classification.

Dudley Research Group, Pacific Northwest Research Institute
No classification provided. Review status: no classification provided. Collection method: research, in vivo. Allele origin: unknown, not applicable. Functional consequence: loss_of_function_variant. Not counted in ClinVar's aggregate classification.

Literature cited by the submitters: PubMed 17436247 (cited by Labcorp Genetics (formerly Invitae), Labcorp and OMIM); PubMed 25152457 (cited by Labcorp Genetics (formerly Invitae), Labcorp).